The following is an entry in ClinVar:

NM_007114.3(TMF1):c.226G>A (p.Ala76Thr)

Gene: TMF1 (TATA element modulatory factor 1; minus strand). Cytogenetic location: 3p14.1.
Variant type: single nucleotide variant.
Coding change: c.226G>A on transcript NM_007114.3 (MANE Select); coding-DNA position 226, G replaced by A.
Protein change: p.Ala76Thr; replaces alanine 76 with threonine.
Molecular consequence: missense variant.
Genome position (GRCh38, 1-based): chr3:69,048,479, C>T on the plus strand (G>A on the coding strand, the complement: TMF1 is on the minus strand). VCF-style: chr3-69048479-C-T. GRCh37 (hg19) VCF-style: chr3-69097630-C-T.
Other names: c.226G>A (NM_007114.2); c.226G>A, p.Ala76Thr (NM_001363879.1); short protein forms A76T.
Identifiers: ClinVar variation 2653959 (VCV002653959.25), dbSNP rs148191419, ClinGen allele CA2487839.
Genomic context (GRCh38, chr3:69,048,479, plus strand): 5'-AATTTTCAGATTCATCGACCACAGTCCTCCGAACTGGCTTTGTGATTGCTTTAGGAGAGG[C>T]TATTGGTGGACTCTGAGGTTCAGTGTTTGATTTCAACCCCCAGGTTGAAGTATCCCATCC-3'
Protein context (NP_009045.2, residues 66-86): SNTEPQSPPI[Ala76Thr]SPKAITKPVR

ClinVar aggregate classification (germline): Conflicting classifications of pathogenicity. Review status: criteria provided, conflicting classifications (1 of 4 stars). 2 submissions from 2 submitters: Uncertain significance (1); Likely benign (1). Last evaluated 2025-08-04.

Allele frequency attached by ClinVar (database versions not stated): ESP Exome Variant Server 0.00050; 1000 Genomes Project 30x 0.00062; 1000 Genomes Project 0.00080.

Submissions (2):

Ambry Genetics
Classification: Uncertain significance. Last evaluated: 2025-08-04. Review status: criteria provided, single submitter. Criteria: Ambry Variant Classification Scheme 2023. Collection method: clinical testing. Allele origin: germline.

CeGaT Center for Human Genetics Tuebingen
Classification: Likely benign. Last evaluated: 2022-06-01. Review status: criteria provided, single submitter. Criteria: CeGaT Center For Human Genetics Tuebingen Variant Classification Criteria Version 2. Collection method: clinical testing. Allele origin: germline. Affected: yes. Observed: 1 variant allele.
Comment: TMF1: BP4